The following is an entry in ClinVar:

ClinVar aggregate classification (germline): Likely benign (1 of 4 stars; one submission).

Conditions:
Familial cancer of breast. Also called: BREAST CANCER, FAMILIAL; Hereditary breast cancer; hereditary breast carcinoma. Identifiers: Orphanet 227535, MedGen C0346153, MONDO:0016419, OMIM 114480. Disease mechanism: loss of function.

Submission:

Myriad Genetics, Inc.
Classification: Likely benign for Familial cancer of breast. Last evaluated: 2024-05-21. Review status: criteria provided, single submitter. Criteria: Myriad Autosomal Dominant, Autosomal Recessive and X-Linked Classification Criteria (2023). Collection method: clinical testing. Allele origin: unknown.
Comment: This variant is considered likely benign. This variant is intronic and is not expected to impact mRNA splicing.

NM_000051.4(ATM):c.5005+10delinsGT

Gene: ATM (ATM serine/threonine kinase; plus strand). Cytogenetic location: 11q22.3.
Variant type: Indel.
Coding change: c.5005+10delinsGT on transcript NM_000051.4 (MANE Select); 10 bases into the intron after coding-DNA position 5005, A replaced by GT.
Molecular consequence: intron variant.
Genome position (GRCh38, 1-based): chr11:108,297,392, A replaced by GT. VCF-style: chr11-108297392-A-GT. GRCh37 (hg19) VCF-style: chr11-108168119-A-GT.
Other names: c.5005+10delinsGT (NM_001351834.2).
Identifiers: ClinVar variation 3254293 (VCV003254293.1), dbSNP rs2546955612.